The following is an entry in ClinVar:

ClinVar aggregate classification (germline): Uncertain significance. Review status: criteria provided, multiple submitters, no conflicts (2 of 4 stars). 4 submissions from 4 submitters: Uncertain significance (4). Last evaluated 2026-02-03.

Conditions:
Cardiovascular phenotype. Identifiers: MedGen CN230736.
Arrhythmogenic cardiomyopathy with wooly hair and keratoderma. Also called: Dilated cardiomyopathy with woolly hair and keratoderma; Arrhythmogenic cardiomyopathy with woolly hair and keratoderma; PALMOPLANTAR KERATODERMA WITH LEFT VENTRICULAR CARDIOMYOPATHY AND WOOLLY HAIR; Carvajal syndrome. Identifiers: Orphanet 65282, MedGen C1854063, MONDO:0011581, OMIM 605676.
Arrhythmogenic right ventricular dysplasia 8 (ARVD8). Also called: Arrhythmogenic Right Ventricular Dysplasia/Cardiomyopathy 8; ARRHYTHMOGENIC RIGHT VENTRICULAR DYSPLASIA, FAMILIAL, 8; ARRHYTHMOGENIC RIGHT VENTRICULAR CARDIOMYOPATHY 8. Identifiers: MedGen C1843896, MONDO:0011831, OMIM 607450.

Allele frequency attached by ClinVar (database versions not stated): gnomAD 0.00001; TOPMed 0.00001.
gnomAD v4.1: 1 of 1,614,000 alleles (0.000062%); highest among the groups gnomAD compares: African/African-American, 0.0013%; no homozygotes.

Submissions (4):

Labcorp Genetics (formerly Invitae), Labcorp
Classification: Uncertain significance for Arrhythmogenic cardiomyopathy with wooly hair and keratoderma; Arrhythmogenic right ventricular dysplasia 8. Last evaluated: 2026-02-03. Review status: criteria provided, single submitter. Criteria: Invitae Variant Classification Sherloc (09022015). Collection method: clinical testing. Allele origin: germline.
Comment: This sequence change replaces glutamic acid, which is acidic and polar, with lysine, which is basic and polar, at codon 282 of the DSP protein (p.Glu282Lys). This variant is not present in population databases (gnomAD no frequency). This variant has not been reported in the literature in individuals affected with DSP-related conditions. ClinVar contains an entry for this variant (Variation ID: 44966). An algorithm developed to predict the effect of missense changes on protein structure and function (PolyPhen-2) suggests that this variant is likely to be disruptive. In summary, the available evidence is currently insufficient to determine the role of this variant in disease. Therefore, it has been classified as a Variant of Uncertain Significance.

Ambry Genetics
Classification: Uncertain significance for Cardiovascular phenotype. Last evaluated: 2025-11-04. Review status: criteria provided, single submitter. Criteria: Ambry Variant Classification Scheme 2023. Collection method: clinical testing. Allele origin: germline.

GeneDx
Classification: Uncertain significance. Last evaluated: 2025-06-22. Review status: criteria provided, single submitter. Criteria: GeneDx Variant Classification Process June 2021. Collection method: clinical testing. Allele origin: germline. Affected: yes.
Comment: Not observed at significant frequency in large population cohorts (gnomAD); In silico analysis supports that this missense variant has a deleterious effect on protein structure/function; Has not been previously published as pathogenic or benign to our knowledge

Laboratory for Molecular Medicine, Mass General Brigham Personalized Medicine
Classification: Uncertain significance. Last evaluated: 2013-03-06. Review status: criteria provided, single submitter. Criteria: LMM Criteria. Collection method: clinical testing. Allele origin: germline. Observed: 1 variant allele.
Comment: The Glu282Lys variant in DSP has not been reported in the literature nor previou sly identified by our laboratory. This variant has also not been identified in l arge and broad European American and African American populations by the NHLBI E xome Sequencing Project, though it may be co mmon in other populations. Computational analyses (biochemical amino acid proper ties, conservation, AlignGVGD, PolyPhen2, and SIFT) do not provide strong suppor t for or against an impact to the protein. Additional studies are needed to full y assess its clinical significance.

NM_004415.4(DSP):c.844G>A (p.Glu282Lys)

Gene: DSP (desmoplakin; plus strand). Cytogenetic location: 6p24.3.
Variant type: single nucleotide variant.
Coding change: c.844G>A on transcript NM_004415.4 (MANE Select); coding-DNA position 844, G replaced by A.
Protein change: p.Glu282Lys; replaces glutamic acid 282 with lysine.
Molecular consequence: missense variant.
Genome position (GRCh38, 1-based): chr6:7,565,425, G>A. VCF-style: chr6-7565425-G-A. GRCh37 (hg19) VCF-style: chr6-7565658-G-A.
Other names: c.844G>A, p.Glu282Lys (NM_001008844.3, NM_001319034.2); short protein forms E282K.
Identifiers: ClinVar variation 44966 (VCV000044966.12), dbSNP rs397516966, ClinGen allele CA007544.